The following is an entry in ClinVar:

ClinVar aggregate classification (germline): Likely pathogenic (1 of 4 stars; one submission).

Conditions:
Epiphyseal dysplasia, multiple, 2 (EDM2). Also called: COL9A2-Related Multiple Epiphyseal Dysplasia. Identifiers: MedGen C1838429, MONDO:0010844, OMIM 600204.

Submission:

3billion
Classification: Likely pathogenic for Epiphyseal dysplasia, multiple, 2. Last evaluated: 2024-09-13. Review status: criteria provided, single submitter. Criteria: ACMG Guidelines, 2015. Collection method: clinical testing. Allele origin: germline. Affected: yes.
Comment: The variant is not observed in the gnomAD v4.0.0 dataset. Predicted Consequence/Location: Canonical splice site: predicted to alter splicing and result in a loss or disruption of normal protein function. Multiple pathogenic loss-of-function variants are reported downstream of the variant. In silico tools predict the variant to alter splicing and produce an abnormal transcript [SpliceAI: 0.99 (spliceogenicity >=0.2, non-spliceogenicity <0.1)]. Therefore, this variant is classified as Likely pathogenic according to the recommendation of ACMG/AMP guideline.

NM_001852.4(COL9A2):c.150+1G>A

Genes: COL9A2 (collagen type IX alpha 2 chain; minus strand), LOC129930260 (ATAC-STARR-seq lymphoblastoid silent region 723; plus strand). Cytogenetic location: 1p34.2.
Variant type: single nucleotide variant.
Coding change: c.150+1G>A on transcript NM_001852.4 (MANE Select); the canonical splice donor site of the intron after coding-DNA position 150, G replaced by A.
Molecular consequence: splice donor variant.
Genome position (GRCh38, 1-based): chr1:40,315,589, C>T on the plus strand (G>A on the coding strand, the complement: COL9A2 is on the minus strand). VCF-style: chr1-40315589-C-T. GRCh37 (hg19) VCF-style: chr1-40781261-C-T.
Identifiers: ClinVar variation 4291835 (VCV004291835.1).